The following is an entry in ClinVar:

NM_006206.6(PDGFRA):c.701C>T (p.Thr234Ile)

Gene: PDGFRA (platelet derived growth factor receptor alpha; plus strand). Cytogenetic location: 4q12.
Variant type: single nucleotide variant.
Coding change: c.701C>T on transcript NM_006206.6 (MANE Select); coding-DNA position 701, C replaced by T.
Protein change: p.Thr234Ile; replaces threonine 234 with isoleucine.
Molecular consequence: missense variant.
Genome position (GRCh38, 1-based): chr4:54,264,991, C>T. VCF-style: chr4-54264991-C-T. GRCh37 (hg19) VCF-style: chr4-55131158-C-T.
Other names: c.701C>T, p.Thr234Ile (NM_001347827.2, NM_001347829.2); c.776C>T, p.Thr259Ile (NM_001347828.2); c.740C>T, p.Thr247Ile (NM_001347830.2); short protein forms T234I, T259I, T247I.
Identifiers: ClinVar variation 452806 (VCV000452806.12), dbSNP rs1553902931, ClinGen allele CA356890907.

ClinVar aggregate classification (germline): Uncertain significance. Review status: criteria provided, multiple submitters, no conflicts (2 of 4 stars). 2 submissions from 2 submitters: Uncertain significance (2). Last evaluated 2025-12-08.

Conditions:
Gastrointestinal stromal tumor. Also called: Gastrointestinal stroma tumor; Gastrointestinal stromal tumor, somatic. Identifiers: Orphanet 44890, MedGen C0238198, MeSH D046152, MONDO:0011719, OMIM 606764, HP:0100723.

Submissions (2):

Labcorp Genetics (formerly Invitae), Labcorp
Classification: Uncertain significance for Gastrointestinal stromal tumor. Last evaluated: 2025-12-08. Review status: criteria provided, single submitter. Criteria: Invitae Variant Classification Sherloc (09022015). Collection method: clinical testing. Allele origin: germline.
Comment: This sequence change replaces threonine, which is neutral and polar, with isoleucine, which is neutral and non-polar, at codon 234 of the PDGFRA protein (p.Thr234Ile). This variant is not present in population databases (gnomAD no frequency). This missense change has been observed in individual(s) with esophageal squamous cell carcinoma (PMID: 30833958). ClinVar contains an entry for this variant (Variation ID: 452806). Invitae Evidence Modeling of protein sequence and biophysical properties (such as structural, functional, and spatial information, amino acid conservation, physicochemical variation, residue mobility, and thermodynamic stability) indicates that this missense variant is not expected to disrupt PDGFRA protein function with a negative predictive value of 80%. In summary, the available evidence is currently insufficient to determine the role of this variant in disease. Therefore, it has been classified as a Variant of Uncertain Significance.

GeneDx
Classification: Uncertain significance. Last evaluated: 2017-10-18. Review status: criteria provided, single submitter. Criteria: GeneDx Variant Classification (06012015). Collection method: clinical testing. Allele origin: germline. Affected: yes.
Comment: The T234I variant in the PDGFRA gene has not been reported previously as a pathogenic variant, nor as a benign variant, to our knowledge. The T234I variant is not observed in large population cohorts (Lek et al., 2016). The T234I variant is a non-conservative amino acid substitution, which is likely to impact secondary protein structure as these residues differ in polarity, charge, size and/or other properties. This substitution occurs at a position where amino acids with similar properties to Threonine are tolerated across species. In silico analysis is inconsistent in its predictions as to whether or not the variant is damaging to the protein structure/function. We interpret T234I as a variant of uncertain significance.

Literature cited by the submitters: PubMed 30833958 (cited by Labcorp Genetics (formerly Invitae), Labcorp).